The following is an entry in ClinVar:

ClinVar aggregate classification (germline): Uncertain significance (1 of 4 stars; one submission).

gnomAD v4.1: 64 of 1,613,052 alleles (0.004%); highest among the groups gnomAD compares: Non-Finnish European, 0.0053%; no homozygotes.

Submission:

CeGaT Center for Human Genetics Tuebingen
Classification: Uncertain significance. Last evaluated: 2024-11-01. Review status: criteria provided, single submitter. Criteria: CeGaT Center For Human Genetics Tuebingen Variant Classification Criteria Version 2. Collection method: clinical testing. Allele origin: germline. Affected: yes. Observed: 1 variant allele.
Comment: TEX15: PM2, BP4

NM_001350162.2(TEX15):c.6926C>T (p.Ser2309Phe)

Gene: TEX15 (testis expressed 15, meiosis and synapsis associated; minus strand). Cytogenetic location: 8p12.
Variant type: single nucleotide variant.
Coding change: c.6926C>T on transcript NM_001350162.2 (MANE Select); coding-DNA position 6926, C replaced by T.
Protein change: p.Ser2309Phe; replaces serine 2309 with phenylalanine.
Molecular consequence: missense variant.
Genome position (GRCh38, 1-based): chr8:30,843,241, G>A on the plus strand (C>T on the coding strand, the complement: TEX15 is on the minus strand). VCF-style: chr8-30843241-G-A. GRCh37 (hg19) VCF-style: chr8-30700757-G-A.
Other names: short protein forms S2309F.
Identifiers: ClinVar variation 3389340 (VCV003389340.14).